The following is an entry in ClinVar:

NM_000318.3(PEX2):c.715A>T (p.Thr239Ser)

Gene: PEX2 (peroxisomal biogenesis factor 2; minus strand). Cytogenetic location: 8q21.13.
Variant type: single nucleotide variant.
Coding change: c.715A>T on transcript NM_000318.3 (MANE Select); coding-DNA position 715, A replaced by T.
Protein change: p.Thr239Ser; replaces threonine 239 with serine.
Molecular consequence: missense variant.
Genome position (GRCh38, 1-based): chr8:76,983,464, T>A on the plus strand (A>T on the coding strand, the complement: PEX2 is on the minus strand). VCF-style: chr8-76983464-T-A. GRCh37 (hg19) VCF-style: chr8-77895700-T-A.
Other names: c.715A>T, p.Thr239Ser (NM_001079867.2, NM_001172086.2, NM_001172087.2); short protein forms T239S.
Identifiers: ClinVar variation 2117863 (VCV002117863.2), dbSNP rs1806898835, ClinGen allele CA371556738.

ClinVar aggregate classification (germline): Uncertain significance (1 of 4 stars; one submission).

Conditions:
Peroxisome biogenesis disorder 5A (Zellweger) (PBD5A). Identifiers: Orphanet 912, MedGen C3553940, MONDO:0013932, OMIM 614866.

Allele frequency attached by ClinVar (database versions not stated): gnomAD exomes below 0.00001; TOPMed below 0.00001; gnomAD 0.00001.
gnomAD v4.1: 2 of 1,614,048 alleles (0.00012%); highest among the groups gnomAD compares: Non-Finnish European, 0.00017%; no homozygotes.

Submission:

Labcorp Genetics (formerly Invitae), Labcorp
Classification: Uncertain significance for Peroxisome biogenesis disorder 5A (Zellweger). Last evaluated: 2022-07-09. Review status: criteria provided, single submitter. Criteria: Invitae Variant Classification Sherloc (09022015). Collection method: clinical testing. Allele origin: germline.
Comment: This variant has not been reported in the literature in individuals affected with PEX2-related conditions. This variant is not present in population databases (gnomAD no frequency). This sequence change replaces threonine, which is neutral and polar, with serine, which is neutral and polar, at codon 239 of the PEX2 protein (p.Thr239Ser). Algorithms developed to predict the effect of missense changes on protein structure and function output the following: SIFT: "Tolerated"; PolyPhen-2: "Benign"; Align-GVGD: "Class C0". The serine amino acid residue is found in multiple mammalian species, which suggests that this missense change does not adversely affect protein function. In summary, the available evidence is currently insufficient to determine the role of this variant in disease. Therefore, it has been classified as a Variant of Uncertain Significance.